The following is an entry in ClinVar:

ClinVar aggregate classification (germline): Likely benign. Review status: criteria provided, single submitter (1 of 4 stars). 2 submissions from 2 submitters: Likely benign (1). 1 of the submissions does not count toward it. Last evaluated 2025-02-10.

Conditions:
ANXA11-related disorder. Also called: ANXA11-related condition.

Submissions (2):

Mayo Clinic Laboratories, Mayo Clinic
Classification: Likely benign. Last evaluated: 2025-02-10. Review status: criteria provided, single submitter. Criteria: ACMG Guidelines, 2015. Collection method: clinical testing. Allele origin: germline. Observed: 1 variant allele.
Comment: BS2, BP4, BP7

PreventionGenetics, part of Exact Sciences
Classification: Likely benign for ANXA11-related condition. Last evaluated: 2022-12-07. Review status: no assertion criteria provided. Collection method: clinical testing. Allele origin: germline. Not counted in ClinVar's aggregate classification.
Comment: This variant is classified as likely benign based on ACMG/AMP sequence variant interpretation guidelines (Richards et al. 2015 PMID: 25741868, with internal and published modifications).

NM_145868.2(ANXA11):c.-1dup (p.Met1fs)

Gene: ANXA11 (annexin A11; minus strand). Cytogenetic location: 10q22.3.
Variant type: Duplication.
Coding change: c.-1dup on transcript NM_145868.2 (MANE Select); 1 bases upstream of the start codon, one base duplicated (C; older notation c.-1dupC).
Protein change: p.Met1fs; shifts the reading frame from methionine 1.
Molecular consequence: frameshift variant. On other transcripts: 5 prime UTR variant (1).
Genome position (GRCh38, 1-based): chr10:80,172,862, G duplicated on the plus strand (C on the coding strand, the reverse complement: ANXA11 is on the minus strand); the first of 2 consecutive G bases (chr10:80,172,862-80,172,863); duplicating either gives the same sequence. VCF-style (leftmost placement, unchanged base first): chr10-80172861-T-TG. GRCh37 (hg19) VCF-style: chr10-81932617-T-TG.
Other names: c.-1dup, p.Met1fs (NM_001157.3, NM_001278407.2, NM_001278408.2 and 1 more transcripts); c.-369dup (NM_001278409.2); short protein forms M1fs.
Identifiers: ClinVar variation 3046428 (VCV003046428.3), dbSNP rs756045736, ClinGen allele CA5576457.